The following is an entry in ClinVar:

NM_032492.4(JAGN1):c.541A>C (p.Lys181Gln)

Gene: JAGN1 (jagunal vesicle mediated transporter 1; plus strand). Cytogenetic location: 3p25.3.
Variant type: single nucleotide variant.
Coding change: c.541A>C on transcript NM_032492.4 (MANE Select); coding-DNA position 541, A replaced by C.
Protein change: p.Lys181Gln; replaces lysine 181 with glutamine.
Molecular consequence: missense variant.
Genome position (GRCh38, 1-based): chr3:9,893,366, A>C. VCF-style: chr3-9893366-A-C. GRCh37 (hg19) VCF-style: chr3-9935050-A-C.
Other names: p.Lys181Gln; c.379A>C, p.Lys127Gln (NM_001363890.1); c.541A>C, p.Lys181Gln (LRG_1228t1); short protein forms K181Q, K127Q.
Identifiers: ClinVar variation 475249 (VCV000475249.8), dbSNP rs754191323, ClinGen allele CA2245917.

ClinVar aggregate classification (germline): Uncertain significance. Review status: criteria provided, multiple submitters, no conflicts (2 of 4 stars). 3 submissions from 3 submitters: Uncertain significance (3). Last evaluated 2024-06-03.

Conditions:
Autosomal recessive severe congenital neutropenia due to JAGN1 deficiency. Also called: Severe congenital neutropenia 6, autosomal recessive. Identifiers: Orphanet 423384, MedGen C4014954, MONDO:0014456, OMIM 616022.

Allele frequency attached by ClinVar (database versions not stated): ExAC 0.00004; gnomAD exomes 0.00004 and 0.00005; TOPMed 0.00007; gnomAD 0.00008 and 0.00009.

Submissions (3):

Labcorp Genetics (formerly Invitae), Labcorp
Classification: Uncertain significance for Autosomal recessive severe congenital neutropenia due to JAGN1 deficiency. Last evaluated: 2024-06-03. Review status: criteria provided, single submitter. Criteria: Invitae Variant Classification Sherloc (09022015). Collection method: clinical testing. Allele origin: germline.
Comment: This sequence change replaces lysine, which is basic and polar, with glutamine, which is neutral and polar, at codon 181 of the JAGN1 protein (p.Lys181Gln). This variant is present in population databases (rs754191323, gnomAD 0.02%). This variant has not been reported in the literature in individuals affected with JAGN1-related conditions. ClinVar contains an entry for this variant (Variation ID: 475249). An algorithm developed to predict the effect of missense changes on protein structure and function (PolyPhen-2) suggests that this variant is likely to be disruptive. In summary, the available evidence is currently insufficient to determine the role of this variant in disease. Therefore, it has been classified as a Variant of Uncertain Significance.

Mayo Clinic Laboratories, Mayo Clinic
Classification: Uncertain significance. Last evaluated: 2023-08-30. Review status: criteria provided, single submitter. Criteria: ACMG Guidelines, 2015. Collection method: clinical testing. Allele origin: germline. Observed: 1 variant allele.

Blueprint Genetics
Classification: Uncertain significance. Last evaluated: 2022-03-29. Review status: criteria provided, single submitter. Criteria: ACMG Guidelines, 2015. Collection method: clinical testing. Allele origin: germline.